The following is an entry in ClinVar:

NM_019098.5(CNGB3):c.1626C>T (p.Ser542=)

Gene: CNGB3 (cyclic nucleotide gated channel subunit beta 3; minus strand). Cytogenetic location: 8q21.3.
Variant type: single nucleotide variant.
Coding change: c.1626C>T on transcript NM_019098.5 (MANE Select); coding-DNA position 1626, C replaced by T.
Protein change: p.Ser542=; no amino-acid change (serine 542 retained).
Molecular consequence: synonymous variant.
Genome position (GRCh38, 1-based): chr8:86,611,624, G>A on the plus strand (C>T on the coding strand, the complement: CNGB3 is on the minus strand). VCF-style: chr8-86611624-G-A. GRCh37 (hg19) VCF-style: chr8-87623852-G-A.
Identifiers: ClinVar variation 790610 (VCV000790610.16), dbSNP rs35903042, ClinGen allele CA4799955.

ClinVar aggregate classification (germline): Benign/Likely benign. Review status: criteria provided, multiple submitters, no conflicts (2 of 4 stars). 5 submissions from 4 submitters: Benign (1); Likely benign (3). 1 of the submissions does not count toward it. Last evaluated 2026-02-02.

Conditions:
Achromatopsia 3 (ACHM3). Also called: ACHROMATOPSIA WITH MYOPIA; PINGELAPESE BLINDNESS; TOTAL COLORBLINDNESS WITH MYOPIA; ROD MONOCHROMACY 1; ROD MONOCHROMATISM 1. Identifiers: Orphanet 49382, MedGen C1849792, MONDO:0009875, OMIM 262300.
Achromatopsia. Also called: Rod monochromatism. Identifiers: Orphanet 49382, MedGen C0152200, MONDO:0018852, HP:0011516.
Severe early-childhood-onset retinal dystrophy (STGD1). Also called: Stargardt macular dystrophy; Juvenile onset macular degeneration; Stargardt disease 1; MACULAR DYSTROPHY WITH FLECKS, TYPE 1; STGD. Identifiers: Orphanet 364055, Orphanet 827, MedGen C1855465, MeSH D000080362, MONDO:0009549, OMIM 248200.

Allele frequency attached by ClinVar (database versions not stated): ESP Exome Variant Server 0.01092; gnomAD exomes 0.00188; 1000 Genomes Project 30x 0.00640; gnomAD 0.00786 and 0.00733; ExAC 0.00257; TOPMed 0.00818; 1000 Genomes Project 0.00659.
gnomAD v4.1: 2,154 of 1,613,246 alleles (0.13%); highest among the groups gnomAD compares: African/African-American, 2.6%; 19 homozygotes.

Submissions (5):

Labcorp Genetics (formerly Invitae), Labcorp
Classification: Benign. Last evaluated: 2026-02-02. Review status: criteria provided, single submitter. Criteria: Invitae Variant Classification Sherloc (09022015). Collection method: clinical testing. Allele origin: germline.

Illumina Laboratory Services, Illumina
Classification: Likely benign for Severe early-childhood-onset retinal dystrophy. Last evaluated: 2018-01-12. Review status: criteria provided, single submitter. Criteria: ICSL Variant Classification Criteria 13 December 2019. Collection method: clinical testing. Allele origin: germline.
Comment: This variant was observed in the ICSL laboratory as part of a predisposition screen in an ostensibly healthy population. It had not been previously curated by ICSL or reported in the Human Gene Mutation Database (HGMD: prior to June 1st, 2018), and was therefore a candidate for classification through an automated scoring system. Utilizing variant allele frequency, disease prevalence and penetrance estimates, and inheritance mode, an automated score was calculated to assess if this variant is too frequent to cause the disease. Based on the score and internal cut-off values, a variant classified as likely benign is not then subjected to further curation. The score for this variant resulted in a classification of likely benign for this disease.

Illumina Laboratory Services, Illumina
Classification: Likely benign for Achromatopsia 3. Last evaluated: 2018-01-12. Review status: criteria provided, single submitter. Criteria: ICSL Variant Classification Criteria 13 December 2019. Collection method: clinical testing. Allele origin: germline.
Comment: the same text as in the submission from Illumina Laboratory Services, Illumina above.

Breakthrough Genomics
Classification: Likely benign. Review status: criteria provided, single submitter. Criteria: ACMG Guidelines, 2015. Collection method: not provided. Allele origin: germline. Inheritance: Autosomal recessive inheritance. Affected: yes.

Natera, Inc.
Classification: Benign for Achromatopsia. Last evaluated: 2020-09-16. Review status: no assertion criteria provided. Collection method: clinical testing. Allele origin: germline. Not counted in ClinVar's aggregate classification.